The following is an entry in ClinVar:

ClinVar aggregate classification (germline): Benign (0 of 4 stars; one submission).

Conditions:
DCHS2-related disorder. Also called: DCHS2-related condition.

Allele frequency attached by ClinVar (database versions not stated): ExAC 0.01716; gnomAD 0.05415; 1000 Genomes Project 0.05831; 1000 Genomes Project 30x 0.06106; ESP Exome Variant Server 0.06182; TOPMed 0.06191.
gnomAD v4.1: 16,863 of 1,613,604 alleles (1%); highest among the groups gnomAD compares: African/African-American, 19%; 1,472 homozygotes.

Submissions (12):

PreventionGenetics, part of Exact Sciences
Classification: Benign for DCHS2-related condition. Last evaluated: 2019-03-26. Review status: no assertion criteria provided. Collection method: clinical testing. Allele origin: germline.
Comment: This variant is classified as benign based on ACMG/AMP sequence variant interpretation guidelines (Richards et al. 2015 PMID: 25741868, with internal and published modifications).

Dr. Peter K. Rogan Lab, Western University
No classification provided (evidence only). Condition: Thyroid cancer, nonmedullary, 1. Review status: no classification provided. Collection method: in vitro. Allele origin: not applicable. Functional consequence: retained intron. Not counted in ClinVar's aggregate classification.

Dr. Peter K. Rogan Lab, Western University
No classification provided (evidence only). Condition: Uterine corpus endometrial carcinoma. Review status: no classification provided. Collection method: in vitro. Allele origin: not applicable. Functional consequence: retained intron. Not counted in ClinVar's aggregate classification.

Dr. Peter K. Rogan Lab, Western University
No classification provided (evidence only). Condition: Uterine corpus endometrial carcinoma. Review status: no classification provided. Collection method: in vitro. Allele origin: not applicable. Functional consequence: retained intron. Not counted in ClinVar's aggregate classification.

Dr. Peter K. Rogan Lab, Western University
No classification provided (evidence only). Condition: Uterine corpus endometrial carcinoma. Review status: no classification provided. Collection method: in vitro. Allele origin: not applicable. Functional consequence: retained intron. Not counted in ClinVar's aggregate classification.

Dr. Peter K. Rogan Lab, Western University
No classification provided (evidence only). Condition: Uterine corpus endometrial carcinoma. Review status: no classification provided. Collection method: in vitro. Allele origin: not applicable. Functional consequence: retained intron. Not counted in ClinVar's aggregate classification.

Dr. Peter K. Rogan Lab, Western University
No classification provided (evidence only). Condition: Cervical cancer. Review status: no classification provided. Collection method: in vitro. Allele origin: not applicable. Functional consequence: retained intron. Not counted in ClinVar's aggregate classification.

Dr. Peter K. Rogan Lab, Western University
No classification provided (evidence only). Condition: Ovarian serous cystadenocarcinoma. Review status: no classification provided. Collection method: in vitro. Allele origin: not applicable. Functional consequence: retained intron. Not counted in ClinVar's aggregate classification.

Dr. Peter K. Rogan Lab, Western University
No classification provided (evidence only). Condition: Ovarian serous cystadenocarcinoma. Review status: no classification provided. Collection method: in vitro. Allele origin: not applicable. Functional consequence: retained intron. Not counted in ClinVar's aggregate classification.

Dr. Peter K. Rogan Lab, Western University
No classification provided (evidence only). Condition: Gastric cancer. Review status: no classification provided. Collection method: in vitro. Allele origin: not applicable. Functional consequence: retained intron. Not counted in ClinVar's aggregate classification.

Dr. Peter K. Rogan Lab, Western University
No classification provided (evidence only). Condition: Gastric cancer. Review status: no classification provided. Collection method: in vitro. Allele origin: not applicable. Functional consequence: retained intron. Not counted in ClinVar's aggregate classification.

Dr. Peter K. Rogan Lab, Western University
No classification provided (evidence only). Condition: Uterine carcinosarcoma. Review status: no classification provided. Collection method: in vitro. Allele origin: not applicable. Functional consequence: retained intron. Not counted in ClinVar's aggregate classification.

NM_001358235.2(DCHS2):c.3892C>G (p.Leu1298Val)

Gene: DCHS2 (dachsous cadherin-related 2; minus strand). Cytogenetic location: 4q31.3.
Variant type: single nucleotide variant.
Coding change: c.3892C>G on transcript NM_001358235.2 (MANE Select); coding-DNA position 3892, C replaced by G.
Protein change: p.Leu1298Val; replaces leucine 1298 with valine.
Molecular consequence: missense variant.
Genome position (GRCh38, 1-based): chr4:154,329,549, G>C on the plus strand (C>G on the coding strand, the complement: DCHS2 is on the minus strand). VCF-style: chr4-154329549-G-C. GRCh37 (hg19) VCF-style: chr4-155250701-G-C.
Other names: NC_000004.11:g.155250701G>C; c.3892C>G, p.Leu1298Val (NM_001142552.2, NM_001412223.1); short protein forms L1298V.
Identifiers: ClinVar variation 3056348 (VCV003056348.3), dbSNP rs79295524, ClinGen allele CA3113056.